The following is an entry in ClinVar:

ClinVar aggregate classification (germline): Likely risk allele (0 of 4 stars; one submission).

Conditions:
Susceptibility to severe coronavirus disease (COVID-19). Also called: Susceptibility to severe coronavirus disease COVID-19.

gnomAD v4.1: 40,165 of 152,050 alleles (26%); highest among the groups gnomAD compares: African/African-American, 38%; 5,900 homozygotes.

Submission:

Pneumogenomics Laboratory, Instituto Nacional de Enfermedades Respiratorias Ismael Cosio Villegas
Classification: Likely risk allele for Susceptibility to severe coronavirus disease COVID-19. Last evaluated: 2024-05-13. Review status: no assertion criteria provided. Collection method: research. Allele origin: germline. Affected: yes.
Comment: The NC_000015.10:g.71705726A>G (rs872471) is an intron variant in THSD4 (Thrombospondin, Type I, Domain Containing 4) ) and has been positively correlated with inflammatory markers in patients with COVID-19. The GG genotype of the THSD4 rs872471 variant was associated with the severity of acute respiratory distress syndrome and was related to the meters reported by the 6 minutes walking test in the first two follow-ups (three and six months after hospital discharge), and the FEV1 and the DLCO values (both in percentages) of the last follow-up (one year after hospital discharge) of patients with post-COVID-19 condition. Due to the reported data, the variant was classified as a likely risk allele.

NM_024817.3(THSD4):c.1358-22823A>G

Gene: THSD4 (thrombospondin type 1 domain containing 4; plus strand). Cytogenetic location: 15q23.
Variant type: single nucleotide variant.
Coding change: c.1358-22823A>G on transcript NM_024817.3 (MANE Select); 22823 bases into the intron before coding-DNA position 1358, A replaced by G.
Molecular consequence: intron variant.
Genome position (GRCh38, 1-based): chr15:71,705,726, A>G. VCF-style: chr15-71705726-A-G. GRCh37 (hg19) VCF-style: chr15-71998065-A-G.
Other names: c.1358-22823A>G (NM_001394532.1); c.278-22823A>G (NM_001286429.2).
Identifiers: ClinVar variation 3236467 (VCV003236467.1).